The following is an entry in ClinVar:

ClinVar aggregate classification (germline): Uncertain significance. Review status: criteria provided, multiple submitters, no conflicts (2 of 4 stars). 2 submissions from 2 submitters: Uncertain significance (2). Last evaluated 2022-08-16.

Allele frequency attached by ClinVar (database versions not stated): gnomAD exomes 0.00001; ExAC 0.00001; TOPMed 0.00002.
gnomAD v4.1: 20 of 1,614,100 alleles (0.0012%); highest among the groups gnomAD compares: East Asian, 0.045%; no homozygotes.

Submissions (2):

Labcorp Genetics (formerly Invitae), Labcorp
Classification: Uncertain significance. Last evaluated: 2022-08-16. Review status: criteria provided, single submitter. Criteria: Invitae Variant Classification Sherloc (09022015). Collection method: clinical testing. Allele origin: germline.
Comment: This sequence change replaces tyrosine, which is neutral and polar, with phenylalanine, which is neutral and non-polar, at codon 3898 of the LRP2 protein (p.Tyr3898Phe). This variant is present in population databases (rs767827511, gnomAD 0.01%). This variant has not been reported in the literature in individuals affected with LRP2-related conditions. ClinVar contains an entry for this variant (Variation ID: 1405024). Advanced modeling of protein sequence and biophysical properties (such as structural, functional, and spatial information, amino acid conservation, physicochemical variation, residue mobility, and thermodynamic stability) performed at Invitae indicates that this missense variant is not expected to disrupt LRP2 protein function. In summary, the available evidence is currently insufficient to determine the role of this variant in disease. Therefore, it has been classified as a Variant of Uncertain Significance.

Breakthrough Genomics
Classification: Uncertain significance. Review status: criteria provided, single submitter. Criteria: ACMG Guidelines, 2015. Collection method: not provided. Allele origin: germline. Inheritance: Autosomal recessive inheritance. Affected: yes.

NM_004525.3(LRP2):c.11693A>T (p.Tyr3898Phe)

Gene: LRP2 (LDL receptor related protein 2; minus strand). Cytogenetic location: 2q31.1.
Variant type: single nucleotide variant.
Coding change: c.11693A>T on transcript NM_004525.3 (MANE Select); coding-DNA position 11693, A replaced by T.
Protein change: p.Tyr3898Phe; replaces tyrosine 3898 with phenylalanine.
Molecular consequence: missense variant.
Genome position (GRCh38, 1-based): chr2:169,165,997, T>A on the plus strand (A>T on the coding strand, the complement: LRP2 is on the minus strand). VCF-style: chr2-169165997-T-A. GRCh37 (hg19) VCF-style: chr2-170022507-T-A.
Other names: short protein forms Y3898F.
Identifiers: ClinVar variation 1405024 (VCV001405024.4), dbSNP rs767827511, ClinGen allele CA1952991.